The following is an entry in ClinVar:

NM_000969.5(RPL5):c.426C>G (p.Phe142Leu)

Genes: DIPK1A (divergent protein kinase domain 1A; minus strand), RPL5 (ribosomal protein L5; plus strand). Cytogenetic location: 1p22.1.
Variant type: single nucleotide variant.
Coding change: c.426C>G on transcript NM_000969.5 (MANE Select); coding-DNA position 426, C replaced by G.
Protein change: p.Phe142Leu; replaces phenylalanine 142 with leucine.
Molecular consequence: missense variant. On other transcripts: non-coding transcript variant (1), intron variant (1).
Genome position (GRCh38, 1-based): chr1:92,836,291, C>G. VCF-style: chr1-92836291-C-G. GRCh37 (hg19) VCF-style: chr1-93301848-C-G.
Other names: c.475-3257G>C (NM_001252273.2); short protein forms F142L.
Identifiers: ClinVar variation 463367 (VCV000463367.16), dbSNP rs11540836, ClinGen allele CA952466.

ClinVar aggregate classification (germline): Conflicting classifications of pathogenicity. Review status: criteria provided, conflicting classifications (1 of 4 stars). 5 submissions from 5 submitters: Uncertain significance (2); Likely benign (3). Last evaluated 2025-12-15.

Conditions:
RPL5-related disorder. Also called: RPL5-related condition.
Diamond-Blackfan anemia. Also called: Blackfan Diamond syndrome; Aregenerative anemia chronic congenital; Red cell aplasia, pure hereditary; Congenital hypoplastic anemia; Aase syndrome. Identifiers: Orphanet 124, MedGen C1260899, MeSH D029503, MONDO:0015253, HP:0004810.
Diamond-Blackfan anemia 6 (DBA6). Also called: RPL5-Related Diamond-Blackfan Anemia. Identifiers: Orphanet 124, MedGen C2931850, MONDO:0012937, OMIM 612561.

Allele frequency attached by ClinVar (database versions not stated): 1000 Genomes Project 30x 0.00047; gnomAD 0.00003 and below 0.00001; gnomAD exomes 0.00012; ExAC 0.00015; 1000 Genomes Project 0.00040.
gnomAD v4.1: 53 of 1,614,166 alleles (0.0033%); highest among the groups gnomAD compares: South Asian, 0.046%; no homozygotes.

Submissions (5):

Labcorp Genetics (formerly Invitae), Labcorp
Classification: Likely benign for Diamond-Blackfan anemia. Last evaluated: 2025-12-15. Review status: criteria provided, single submitter. Criteria: Invitae Variant Classification Sherloc (09022015). Collection method: clinical testing. Allele origin: germline.

PreventionGenetics, part of Exact Sciences
Classification: Likely benign for RPL5-related condition. Last evaluated: 2025-01-21. Review status: criteria provided, single submitter. Criteria: ACMG Guidelines, 2015. Collection method: clinical testing. Allele origin: germline.
Comment: This variant is classified as likely benign based on ACMG/AMP sequence variant interpretation guidelines (Richards et al. 2015 PMID: 25741868, with internal and published modifications).

GeneDx
Classification: Uncertain significance. Last evaluated: 2024-01-08. Review status: criteria provided, single submitter. Criteria: GeneDx Variant Classification Process June 2021. Collection method: clinical testing. Allele origin: germline. Affected: yes.
Comment: In silico analysis supports that this missense variant has a deleterious effect on protein structure/function; Has not been previously published as pathogenic or benign to our knowledge

Revvity Omics, Revvity
Classification: Uncertain significance for Diamond-Blackfan anemia 6. Last evaluated: 2023-03-06. Review status: criteria provided, single submitter. Criteria: ACMG Guidelines, 2015. Collection method: clinical testing. Allele origin: germline.

Fulgent Genetics
Classification: Likely benign for Diamond-Blackfan anemia 6. Last evaluated: 2021-12-21. Review status: criteria provided, single submitter. Criteria: ACMG Guidelines, 2015. Collection method: clinical testing. Allele origin: unknown.